The following is an entry in ClinVar:

ClinVar aggregate classification (germline): Uncertain significance. Review status: criteria provided, multiple submitters, no conflicts (2 of 4 stars). 4 submissions from 4 submitters: Uncertain significance (4). Last evaluated 2026-01-17.

Conditions:
Rienhoff syndrome. Also called: LOEYS-DIETZ SYNDROME 5. Identifiers: MedGen C3810012, MONDO:0014262, OMIM 615582.
Arrhythmogenic right ventricular cardiomyopathy (ARVD). Also called: Arrhythmogenic cardiomyopathy; Arrhythmogenic Right Ventricular Cardiomyopathy (ARVC); Cardiomyopathy, ARVC; Arrhythmogenic right ventricular dysplasia. Identifiers: Orphanet 247, MedGen C0349788, MeSH D019571, MONDO:0016587. Disease mechanism: loss of function. Inheritance: Various modes of inheritance.
Familial thoracic aortic aneurysm and aortic dissection (TAAD). Also called: Thoracic aortic aneurysms and dissections. Identifiers: Orphanet 91387, MedGen C4707243, MONDO:0019625.

Allele frequency attached by ClinVar (database versions not stated): gnomAD exomes 0.00001 and below 0.00001.
gnomAD v4.1: 5 of 1,614,046 alleles (0.00031%); highest among the groups gnomAD compares: Non-Finnish European, 0.00042%; no homozygotes.

Submissions (4):

Ambry Genetics
Classification: Uncertain significance for Familial thoracic aortic aneurysm and aortic dissection. Last evaluated: 2026-01-17. Review status: criteria provided, single submitter. Criteria: Ambry Variant Classification Scheme 2023. Collection method: clinical testing. Allele origin: germline.
Comment: The p.Y306H variant (also known as c.916T>C), located in coding exon 5 of the TGFB3 gene, results from a T to C substitution at nucleotide position 916. The tyrosine at codon 306 is replaced by histidine, an amino acid with similar properties. This amino acid position is conserved. In addition, the in silico prediction for this alteration is inconclusive. Based on the available evidence, the clinical significance of this variant remains unclear.

Labcorp Genetics (formerly Invitae), Labcorp
Classification: Uncertain significance for Rienhoff syndrome. Last evaluated: 2025-04-28. Review status: criteria provided, single submitter. Criteria: Invitae Variant Classification Sherloc (09022015). Collection method: clinical testing. Allele origin: germline.
Comment: This sequence change replaces tyrosine, which is neutral and polar, with histidine, which is basic and polar, at codon 306 of the TGFB3 protein (p.Tyr306His). This variant is present in population databases (no rsID available, gnomAD 0.002%). This variant has not been reported in the literature in individuals affected with TGFB3-related conditions. ClinVar contains an entry for this variant (Variation ID: 520454). Invitae Evidence Modeling of protein sequence and biophysical properties (such as structural, functional, and spatial information, amino acid conservation, physicochemical variation, residue mobility, and thermodynamic stability) indicates that this missense variant is not expected to disrupt TGFB3 protein function with a negative predictive value of 80%. In summary, the available evidence is currently insufficient to determine the role of this variant in disease. Therefore, it has been classified as a Variant of Uncertain Significance.

GeneDx
Classification: Uncertain significance. Last evaluated: 2023-06-07. Review status: criteria provided, single submitter. Criteria: GeneDx Variant Classification Process June 2021. Collection method: clinical testing. Allele origin: germline. Affected: yes.
Comment: Has not been previously published as pathogenic or benign to our knowledge; Not observed at significant frequency in large population cohorts (gnomAD); In silico analysis supports that this missense variant has a deleterious effect on protein structure/function

Molecular Diagnostic Laboratory for Inherited Cardiovascular Disease, Montreal Heart Institute
Classification: Uncertain significance for Familial isolated arrhythmogenic right ventricular dysplasia. Last evaluated: 2017-02-27. Review status: criteria provided, single submitter. Criteria: ACMG Guidelines, 2015. Collection method: clinical testing. Allele origin: germline. Affected: yes.

NM_003239.5(TGFB3):c.916T>C (p.Tyr306His)

Gene: TGFB3 (transforming growth factor beta 3; minus strand). Cytogenetic location: 14q24.3.
Variant type: single nucleotide variant.
Coding change: c.916T>C on transcript NM_003239.5 (MANE Select); coding-DNA position 916, T replaced by C.
Protein change: p.Tyr306His; replaces tyrosine 306 with histidine.
Molecular consequence: missense variant.
Genome position (GRCh38, 1-based): chr14:75,963,326, A>G on the plus strand (T>C on the coding strand, the complement: TGFB3 is on the minus strand). VCF-style: chr14-75963326-A-G. GRCh37 (hg19) VCF-style: chr14-76429669-A-G.
Other names: c.916T>C (NM_003239.2); c.916T>C, p.Tyr306His (NM_001329938.2, NM_001329939.2); short protein forms Y306H.
Identifiers: ClinVar variation 520454 (VCV000520454.8), dbSNP rs1299759608, ClinGen allele CA390468153.